The following is an entry in ClinVar:

NM_021930.6(RINT1):c.1108-9T>G

Gene: RINT1 (RAD50 interactor 1; plus strand). Cytogenetic location: 7q22.3.
Variant type: single nucleotide variant.
Coding change: c.1108-9T>G on transcript NM_021930.6 (MANE Select); 9 bases into the intron before coding-DNA position 1108, T replaced by G.
Molecular consequence: intron variant.
Genome position (GRCh38, 1-based): chr7:105,550,252, T>G. VCF-style: chr7-105550252-T-G. GRCh37 (hg19) VCF-style: chr7-105190699-T-G.
Other names: c.85-9T>G (NM_001346600.2, NM_001346603.2); c.184-9T>G (NM_001346601.2); c.874-9T>G (NM_001346599.2).
Identifiers: ClinVar variation 856691 (VCV000856691.10), dbSNP rs1000460642, ClinGen allele CA164057491.

ClinVar aggregate classification (germline): Uncertain significance (1 of 4 stars; one submission).

Allele frequency attached by ClinVar (database versions not stated): TOPMed below 0.00001; gnomAD exomes 0.00001 and 0.00003.
gnomAD v4.1: 49 of 1,612,258 alleles (0.003%); highest among the groups gnomAD compares: Non-Finnish European, 0.0041%; no homozygotes.

Submission:

Labcorp Genetics (formerly Invitae), Labcorp
Classification: Uncertain significance. Last evaluated: 2023-06-20. Review status: criteria provided, single submitter. Criteria: Invitae Variant Classification Sherloc (09022015). Collection method: clinical testing. Allele origin: germline.
Comment: Algorithms developed to predict the effect of sequence changes on RNA splicing suggest that this variant may disrupt the consensus splice site. In summary, the available evidence is currently insufficient to determine the role of this variant in disease. Therefore, it has been classified as a Variant of Uncertain Significance. ClinVar contains an entry for this variant (Variation ID: 856691). This variant has not been reported in the literature in individuals affected with RINT1-related conditions. This variant is present in population databases (no rsID available, gnomAD 0.002%). This sequence change falls in intron 8 of the RINT1 gene. It does not directly change the encoded amino acid sequence of the RINT1 protein.